The following is an entry in ClinVar:

NM_177438.3(DICER1):c.*433G>T

Gene: DICER1 (dicer 1, ribonuclease III; minus strand). Cytogenetic location: 14q32.13.
Variant type: single nucleotide variant.
Coding change: c.*433G>T on transcript NM_177438.3 (MANE Select); 433 bases downstream of the stop codon, G replaced by T.
Molecular consequence: 3 prime UTR variant.
Genome position (GRCh38, 1-based): chr14:95,090,065, C>A on the plus strand (G>T on the coding strand, the complement: DICER1 is on the minus strand). VCF-style: chr14-95090065-C-A. GRCh37 (hg19) VCF-style: chr14-95556402-C-A.
Other names: c.*549G>T (NM_001195573.1); c.*433G>T (NM_001271282.3, NM_001291628.2, NM_030621.4).
Identifiers: ClinVar variation 315095 (VCV000315095.7), dbSNP rs10144436, ClinGen allele CA10646658.

ClinVar aggregate classification (germline): Benign. Review status: criteria provided, multiple submitters, no conflicts (2 of 4 stars). 2 submissions from 2 submitters: Benign (2). Last evaluated 2018-01-12.

Conditions:
DICER1-related tumor predisposition. Also called: DICER1-related pleuropulmonary blastoma cancer predisposition syndrome; DICER1 syndrome. Identifiers: Orphanet 284343, MedGen C3839822, MONDO:0100216.

Allele frequency attached by ClinVar (database versions not stated): gnomAD 0.02790 and 0.03002; TOPMed 0.03163; 1000 Genomes Project 0.03594; 1000 Genomes Project 30x 0.03763.
gnomAD v4.1: 4,897 of 326,940 alleles (1.5%); highest among the groups gnomAD compares: African/African-American, 9.5%; 217 homozygotes.

Submissions (2):

Illumina Laboratory Services, Illumina
Classification: Benign for Pleuropulmonary blastoma. Last evaluated: 2018-01-12. Review status: criteria provided, single submitter. Criteria: ICSL Variant Classification Criteria 13 December 2019. Collection method: clinical testing. Allele origin: germline.
Comment: This variant was observed in the ICSL laboratory as part of a predisposition screen in an ostensibly healthy population. It had not been previously curated by ICSL or reported in the Human Gene Mutation Database (HGMD: prior to June 1st, 2018), and was therefore a candidate for classification through an automated scoring system. Utilizing variant allele frequency, disease prevalence and penetrance estimates, and inheritance mode, an automated score was calculated to assess if this variant is too frequent to cause the disease. Based on the score and internal cut-off values, a variant classified as benign is not then subjected to further curation. The score for this variant resulted in a classification of benign for this disease.

Breakthrough Genomics
Classification: Benign. Review status: criteria provided, single submitter. Criteria: ACMG Guidelines, 2015. Collection method: not provided. Allele origin: germline. Inheritance: Autosomal dominant inheritance. Affected: yes.